The following is an entry in ClinVar:

NM_004431.5(EPHA2):c.2353G>A (p.Ala785Thr)

Gene: EPHA2 (EPH receptor A2; minus strand). Cytogenetic location: 1p36.13.
Variant type: single nucleotide variant.
Coding change: c.2353G>A on transcript NM_004431.5 (MANE Select); coding-DNA position 2353, G replaced by A.
Protein change: p.Ala785Thr; replaces alanine 785 with threonine.
Molecular consequence: missense variant.
Genome position (GRCh38, 1-based): chr1:16,131,843, C>T on the plus strand (G>A on the coding strand, the complement: EPHA2 is on the minus strand). VCF-style: chr1-16131843-C-T. GRCh37 (hg19) VCF-style: chr1-16458338-C-T.
Other names: c.2191G>A, p.Ala731Thr (NM_001329090.2); short protein forms A731T, A785T.
Identifiers: ClinVar variation 1687229 (VCV001687229.1), dbSNP rs766078852, ClinGen allele CA624845.

ClinVar aggregate classification (germline): Likely pathogenic (1 of 4 stars; one submission).

Conditions:
Cataract 6 multiple types. Also called: CATARACT, AGE-RELATED CORTICAL, 2; CATARACT 6, POSTERIOR POLAR; CATARACT 6, CONGENITAL TOTAL. Identifiers: Orphanet 91492, MedGen C1861825, MONDO:0007288, OMIM 116600.

Allele frequency attached by ClinVar (database versions not stated): gnomAD 0.00001.
gnomAD v4.1: 19 of 1,613,838 alleles (0.0012%); highest among the groups gnomAD compares: South Asian, 0.0099%; no homozygotes.

Submission:

3billion
Classification: Likely pathogenic for Cataract 6 multiple types. Last evaluated: 2022-05-22. Review status: criteria provided, single submitter. Criteria: ACMG Guidelines, 2015. Collection method: clinical testing. Allele origin: germline. Affected: yes. Observed: 1 homozygote.
Comment: The variant is observed at an extremely low frequency in the gnomAD v2.1.1 dataset (total allele frequency: 0.002%). In silico tool predictions suggest damaging effect of the variant on gene or gene product (REVEL: 0.81; 3Cnet: 0.91). Same nucleotide change resulting in same amino acid change has been previously reported to be associated with EPHA2 related disorder (PMID: 20361013). The variant has been reported to co-segregate with the disease in at least 3 similarly affected relatives/individuals in the same family or similarly affected unrelated family (PMID: 20361013). Therefore, this variant is classified as likely pathogenic according to the recommendation of ACMG/AMP guideline.

Literature cited by the submitters: PubMed 20361013.